The following is an entry in ClinVar:

ClinVar aggregate classification (germline): Uncertain significance (1 of 4 stars; one submission).

Conditions:
Combined immunodeficiency due to DOCK8 deficiency (HIES2). Also called: HIES autosomal recessive; HYPER-IgE RECURRENT INFECTION SYNDROME 2, AUTOSOMAL RECESSIVE; DOCK8 Deficiency; HYPER-IgE SYNDROME 2, AUTOSOMAL RECESSIVE, WITH RECURRENT INFECTIONS; Hyper-IgE recurrent infection syndrome, autosomal recessive. Identifiers: Orphanet 217390, MedGen C4722305, MONDO:0009478, OMIM 243700.

Allele frequency attached by ClinVar (database versions not stated): gnomAD 0.00001; TOPMed 0.00001.
gnomAD v4.1: 12 of 1,614,034 alleles (0.00074%); highest among the groups gnomAD compares: Non-Finnish European, 0.001%; no homozygotes.

Submission:

Labcorp Genetics (formerly Invitae), Labcorp
Classification: Uncertain significance for Combined immunodeficiency due to DOCK8 deficiency. Last evaluated: 2021-11-19. Review status: criteria provided, single submitter. Criteria: Invitae Variant Classification Sherloc (09022015). Collection method: clinical testing. Allele origin: germline.
Comment: In summary, the available evidence is currently insufficient to determine the role of this variant in disease. Therefore, it has been classified as a Variant of Uncertain Significance. Variants that disrupt the consensus splice site are a relatively common cause of aberrant splicing (PMID: 17576681, 9536098). Algorithms developed to predict the effect of sequence changes on RNA splicing suggest that this variant may disrupt the consensus splice site. This variant has not been reported in the literature in individuals affected with DOCK8-related conditions. This variant is not present in population databases (gnomAD no frequency). This sequence change falls in intron 30 of the DOCK8 gene. It does not directly change the encoded amino acid sequence of the DOCK8 protein. It affects a nucleotide within the consensus splice site.

Literature cited by the submitters: PubMed 17576681; PubMed 9536098.

NM_203447.4(DOCK8):c.3840+5G>A

Gene: DOCK8 (dedicator of cytokinesis 8; plus strand). Cytogenetic location: 9p24.3.
Variant type: single nucleotide variant.
Coding change: c.3840+5G>A on transcript NM_203447.4 (MANE Select); 5 bases into the intron after coding-DNA position 3840, G replaced by A.
Molecular consequence: intron variant.
Genome position (GRCh38, 1-based): chr9:418,212, G>A. VCF-style: chr9-418212-G-A. GRCh37 (hg19) VCF-style: chr9-418212-G-A.
Other names: c.3636+5G>A (NM_001193536.2); c.3540+5G>A (NM_001190458.2).
Identifiers: ClinVar variation 1433554 (VCV001433554.6), dbSNP rs2056115147, ClinGen allele CA1120365162.